The following is an entry in ClinVar:

NM_001349206.2(LPIN1):c.*326C>T

Gene: LPIN1 (lipin 1; plus strand). Cytogenetic location: 2p25.1.
Variant type: single nucleotide variant.
Coding change: c.*326C>T on transcript NM_001349206.2 (MANE Select); 326 bases downstream of the stop codon, C replaced by T.
Molecular consequence: 3 prime UTR variant. On other transcripts: non-coding transcript variant (1).
Genome position (GRCh38, 1-based): chr2:11,825,117, C>T. VCF-style: chr2-11825117-C-T. GRCh37 (hg19) VCF-style: chr2-11965243-C-T.
Other names: c.*326C>T (NM_001261427.3, NM_001261428.3, NM_001349199.2 and 9 more transcripts).
Identifiers: ClinVar variation 330923 (VCV000330923.6), dbSNP rs73917820, ClinGen allele CA10612060.
Genomic context (GRCh38, chr2:11,825,117, plus strand): 5'-ACGACGCTGCCTTTCCGGCCTGCTCCAGCAAGTAGCTACTGGTTCACGTGCAGTTTGGGG[C>T]TGTGAAACCTAGGCAGAAGGCGGCTGTCTGAGGGCTGTCCCCGCCTAGGACAGGGTCAAT-3'

ClinVar aggregate classification (germline): Benign. Review status: criteria provided, multiple submitters, no conflicts (2 of 4 stars). 2 submissions from 2 submitters: Benign (2). Last evaluated 2018-01-12.

Conditions:
Myoglobinuria, acute recurrent, autosomal recessive. Also called: MYOGLOBINURIA, FAMILIAL PAROXYSMAL PARALYTIC; RHABDOMYOLYSIS, ACUTE RECURRENT; Myoglobinuria, recurrent, autosomal recessive. Identifiers: Orphanet 99845, MedGen C1849386, MONDO:0009992, OMIM 268200.

Allele frequency attached by ClinVar (database versions not stated): gnomAD exomes 0.00194; gnomAD 0.01162 and 0.01235; 1000 Genomes Project 0.01318; TOPMed 0.01369; 1000 Genomes Project 30x 0.01421.
gnomAD v4.1: 2,206 of 384,114 alleles (0.57%); highest among the groups gnomAD compares: African/African-American, 3.9%; 37 homozygotes.

Submissions (2):

Illumina Laboratory Services, Illumina
Classification: Benign for Myoglobinuria, acute recurrent, autosomal recessive. Last evaluated: 2018-01-12. Review status: criteria provided, single submitter. Criteria: ICSL Variant Classification Criteria 13 December 2019. Collection method: clinical testing. Allele origin: germline.
Comment: This variant was observed in the ICSL laboratory as part of a predisposition screen in an ostensibly healthy population. It had not been previously curated by ICSL or reported in the Human Gene Mutation Database (HGMD: prior to June 1st, 2018), and was therefore a candidate for classification through an automated scoring system. Utilizing variant allele frequency, disease prevalence and penetrance estimates, and inheritance mode, an automated score was calculated to assess if this variant is too frequent to cause the disease. Based on the score and internal cut-off values, a variant classified as benign is not then subjected to further curation. The score for this variant resulted in a classification of benign for this disease.

Breakthrough Genomics
Classification: Benign. Review status: criteria provided, single submitter. Criteria: ACMG Guidelines, 2015. Collection method: not provided. Allele origin: germline. Inheritance: Autosomal recessive inheritance. Affected: yes.